The following is an entry in ClinVar:

ClinVar aggregate classification (germline): Likely benign. Review status: criteria provided, single submitter (1 of 4 stars). 2 submissions from 2 submitters: Likely benign (1). 1 of the submissions does not count toward it. Last evaluated 2016-11-21.

Conditions:
Becker muscular dystrophy (BMD). Also called: MUSCULAR DYSTROPHY, PSEUDOHYPERTROPHIC PROGRESSIVE, BECKER TYPE; Becker Muscular Dystrophy (BMD). Identifiers: Orphanet 98895, MedGen C0917713, MONDO:0010311, OMIM 300376.
Cardiomyopathy (CMYO). Also called: Cardiomyopathies. Identifiers: Orphanet 167848, MedGen C0878544, MONDO:0004994, HP:0001638. Inheritance: Various modes of inheritance.
Duchenne muscular dystrophy (DMD). Also called: MUSCULAR DYSTROPHY, PSEUDOHYPERTROPHIC PROGRESSIVE, DUCHENNE TYPE; Duchenne Muscular Dystrophy (DMD). Identifiers: Orphanet 98896, MedGen C0013264, MONDO:0010679, OMIM 310200.
Dystrophin deficiency.

Allele frequency attached by ClinVar (database versions not stated): TOPMed below 0.00001.

Submissions (2):

GeneDx
Classification: Likely benign. Last evaluated: 2016-11-21. Review status: criteria provided, single submitter. Criteria: GeneDx Variant Classification (06012015). Collection method: clinical testing. Allele origin: germline. Affected: yes.
Comment: This variant is considered likely benign or benign based on one or more of the following criteria: it is a conservative change, it occurs at a poorly conserved position in the protein, it is predicted to be benign by multiple in silico algorithms, and/or has population frequency not consistent with disease.

Natera, Inc.
Classification: Likely benign for Becker muscular dystrophy; Cardiomyopathy; Duchenne muscular dystrophy; Dystrophin deficiency. Last evaluated: 2019-09-12. Review status: no assertion criteria provided. Collection method: clinical testing. Allele origin: germline. Not counted in ClinVar's aggregate classification.

NM_004006.3(DMD):c.6489T>C (p.Asn2163=)

Gene: DMD (dystrophin; minus strand). Cytogenetic location: Xp21.1.
Variant type: single nucleotide variant.
Coding change: c.6489T>C on transcript NM_004006.3 (MANE Select); coding-DNA position 6489, T replaced by C.
Protein change: p.Asn2163=; no amino-acid change (asparagine 2163 retained).
Molecular consequence: synonymous variant. On other transcripts: 5 prime UTR variant (5).
Genome position (GRCh38, 1-based): chrX:31,968,464, A>G on the plus strand (T>C on the coding strand, the complement: DMD is on the minus strand). VCF-style: chrX-31968464-A-G. GRCh37 (hg19) VCF-style: chrX-31986581-A-G.
Other names: c.6465T>C, p.Asn2155= (NM_000109.4); c.6477T>C, p.Asn2159= (NM_004009.3); c.6120T>C, p.Asn2040= (NM_004010.3); c.2466T>C, p.Asn822= (NM_004011.4); c.2457T>C, p.Asn819= (NM_004012.4); c.-892T>C (NM_004013.3, NM_004020.4, NM_004021.3 and 2 more transcripts).
Identifiers: ClinVar variation 390951 (VCV000390951.2), dbSNP rs1057523928, ClinGen allele CA16608890.